The following is an entry in ClinVar:

NM_001303.4(COX10):c.*1079G>A

Gene: COX10 (cytochrome c oxidase assembly factor heme A:farnesyltransferase COX10; plus strand). Cytogenetic location: 17p12.
Variant type: single nucleotide variant.
Coding change: c.*1079G>A on transcript NM_001303.4 (MANE Select); 1079 bases downstream of the stop codon, G replaced by A.
Molecular consequence: 3 prime UTR variant.
Genome position (GRCh38, 1-based): chr17:14,208,292, G>A. VCF-style: chr17-14208292-G-A. GRCh37 (hg19) VCF-style: chr17-14111609-G-A.
Identifiers: ClinVar variation 888723 (VCV000888723.5), dbSNP rs116445114, ClinGen allele CA288081928.

ClinVar aggregate classification (germline): Conflicting classifications of pathogenicity. Review status: criteria provided, conflicting classifications (1 of 4 stars). 3 submissions from 2 submitters: Uncertain significance (1); Benign (1); Likely benign (1). Last evaluated 2021-05-11.

Conditions:
Leigh syndrome (NULS). Also called: Leigh's syndrome; Leigh Disease; Subacute necrotizing encephalopathy; Necrotizing encephalopathy infantile subacute of Leigh; LEIGH SYNDROME, NUCLEAR; Leigh's necrotizing encephalopathy. Identifiers: Orphanet 506, MedGen C2931891, MONDO:0009723, OMIM 256000.
Mitochondrial complex IV deficiency, nuclear type 1 (MC4DN1). Also called: COX DEFICIENCY; Mitochondrial complex IV deficiency; Complex 4 mitochondrial respiratory chain deficiency; Deficiency of mitochondrial respiratory chain complex4; Complex IV deficiency. Identifiers: MedGen C5435656, MONDO:0700250, OMIM 220110. Disease mechanism: loss of function.

Allele frequency attached by ClinVar (database versions not stated): 1000 Genomes Project 0.00899; 1000 Genomes Project 30x 0.00968; gnomAD 0.00971 and 0.01056; TOPMed 0.01099.

Submissions (3):

GeneDx
Classification: Likely benign. Last evaluated: 2021-05-11. Review status: criteria provided, single submitter. Criteria: GeneDx Variant Classification Process June 2021. Collection method: clinical testing. Allele origin: germline. Affected: yes.

Illumina Laboratory Services, Illumina
Classification: Uncertain significance for Mitochondrial complex IV deficiency, nuclear type 1. Last evaluated: 2018-01-13. Review status: criteria provided, single submitter. Criteria: ICSL Variant Classification Criteria 13 December 2019. Collection method: clinical testing. Allele origin: germline.

Illumina Laboratory Services, Illumina
Classification: Benign for Leigh syndrome. Last evaluated: 2018-01-13. Review status: criteria provided, single submitter. Criteria: ICSL Variant Classification Criteria 13 December 2019. Collection method: clinical testing. Allele origin: germline.
Comment: This variant was observed in the ICSL laboratory as part of a predisposition screen in an ostensibly healthy population. It had not been previously curated by ICSL or reported in the Human Gene Mutation Database (HGMD: prior to June 1st, 2018), and was therefore a candidate for classification through an automated scoring system. Utilizing variant allele frequency, disease prevalence and penetrance estimates, and inheritance mode, an automated score was calculated to assess if this variant is too frequent to cause the disease. Based on the score and internal cut-off values, a variant classified as benign is not then subjected to further curation. The score for this variant resulted in a classification of benign for this disease.